The following is an entry in ClinVar:

ClinVar aggregate classification (germline): Conflicting classifications of pathogenicity. Review status: criteria provided, conflicting classifications (1 of 4 stars). 9 submissions from 9 submitters: Uncertain significance (1); Benign (3); Likely benign (4). 1 of the submissions does not count toward it. Last evaluated 2026-02-01.

Conditions:
Premature ovarian failure 15. Identifiers: MedGen C4748170, MONDO:0054862, OMIM 618096.
FANCM-related disorder. Also called: FANCM-related condition.
Hereditary cancer-predisposing syndrome. Also called: Hereditary neoplastic syndrome; Neoplastic Syndromes, Hereditary; Hereditary Cancer Syndrome; Tumor predisposition. Identifiers: Orphanet 140162, MedGen C0027672, MeSH D009386, MONDO:0015356.
Fanconi anemia (FA). Also called: Fanconi's anemia. Identifiers: Orphanet 84, MedGen C0015625, MeSH D005199, MONDO:0019391.
Inborn genetic diseases. Identifiers: MedGen C0950123, MeSH D030342.

Allele frequency attached by ClinVar (database versions not stated): TOPMed 0.00011; gnomAD 0.00013 and 0.00014; ExAC 0.00016; gnomAD exomes 0.00022; ESP Exome Variant Server 0.00023.
gnomAD v4.1: 201 of 1,613,718 alleles (0.012%); highest among the groups gnomAD compares: Middle Eastern, 0.033%; no homozygotes.

Submissions (9):

Labcorp Genetics (formerly Invitae), Labcorp
Classification: Benign for Fanconi anemia. Last evaluated: 2026-02-01. Review status: criteria provided, single submitter. Criteria: Invitae Variant Classification Sherloc (09022015). Collection method: clinical testing. Allele origin: germline.

KCCC/NGS Laboratory, Kuwait Cancer Control Center
Classification: Benign for Premature ovarian failure 15. Last evaluated: 2025-02-01. Review status: criteria provided, single submitter. Criteria: ACMG Guidelines, 2015. Collection method: clinical testing. Allele origin: germline. Affected: no.

Ambry Genetics
Classification: Likely benign for Inborn genetic diseases. Last evaluated: 2024-11-17. Review status: criteria provided, single submitter. Criteria: Ambry Variant Classification Scheme 2023. Collection method: clinical testing. Allele origin: germline.

GeneDx
Classification: Uncertain significance. Last evaluated: 2024-09-27. Review status: criteria provided, single submitter. Criteria: GeneDx Variant Classification Process June 2021. Collection method: clinical testing. Allele origin: germline. Affected: yes.
Comment: Has not been previously published as pathogenic or benign to our knowledge; In silico analysis indicates that this variant does not alter splicing

Blueprint Genetics
Classification: Likely benign. Last evaluated: 2024-09-05. Review status: criteria provided, single submitter. Criteria: ACMG Guidelines, 2015. Collection method: clinical testing. Allele origin: germline.

CeGaT Center for Human Genetics Tuebingen
Classification: Likely benign. Last evaluated: 2022-08-01. Review status: criteria provided, single submitter. Criteria: CeGaT Center For Human Genetics Tuebingen Variant Classification Criteria Version 2. Collection method: clinical testing. Allele origin: germline. Affected: yes. Observed: 1 variant allele.
Comment: FANCM: BP4, BP7

Quest Diagnostics Nichols Institute San Juan Capistrano
Classification: Benign. Last evaluated: 2022-04-29. Review status: criteria provided, single submitter. Criteria: Quest Diagnostics criteria. Collection method: clinical testing. Allele origin: unknown.

Sema4
Classification: Likely benign for Hereditary cancer-predisposing syndrome. Last evaluated: 2021-07-12. Review status: criteria provided, single submitter. Criteria: Sema4 Curation Guidelines. Collection method: curation. Allele origin: germline.

PreventionGenetics, part of Exact Sciences
Classification: Likely benign for FANCM-related condition. Last evaluated: 2019-05-14. Review status: no assertion criteria provided. Collection method: clinical testing. Allele origin: germline. Not counted in ClinVar's aggregate classification.
Comment: This variant is classified as likely benign based on ACMG/AMP sequence variant interpretation guidelines (Richards et al. 2015 PMID: 25741868, with internal and published modifications).

NM_020937.4(FANCM):c.30G>A (p.Gln10=)

Gene: FANCM (FA complementation group M; plus strand). Cytogenetic location: 14q21.2.
Variant type: single nucleotide variant.
Coding change: c.30G>A on transcript NM_020937.4 (MANE Select); coding-DNA position 30, G replaced by A.
Protein change: p.Gln10=; no amino-acid change (glutamine 10 retained).
Molecular consequence: synonymous variant.
Genome position (GRCh38, 1-based): chr14:45,136,061, G>A. VCF-style: chr14-45136061-G-A. GRCh37 (hg19) VCF-style: chr14-45605264-G-A.
Other names: c.30G>A, p.Gln10= (NM_001308133.2, NM_001308134.2); c.30G>A (NM_020937.3).
Identifiers: ClinVar variation 456263 (VCV000456263.47), dbSNP rs145745979, ClinGen allele CA7168684.